The following is an entry in ClinVar:

NM_001356.5(DDX3X):c.1540dup (p.Ile514fs)

Gene: DDX3X (DEAD-box helicase 3 X-linked; plus strand). Cytogenetic location: Xp11.4.
Variant type: Duplication.
Coding change: c.1540dup on transcript NM_001356.5 (MANE Select); coding-DNA position 1540, one base duplicated (A; older notation c.1540dupA).
Protein change: p.Ile514fs; shifts the reading frame from isoleucine 514.
Molecular consequence: frameshift variant. On other transcripts: non-coding transcript variant (1).
Genome position (GRCh38, 1-based): chrX:41,346,547, A duplicated. VCF-style (leftmost placement, unchanged base first): chrX-41346546-T-TA. GRCh37 (hg19) VCF-style: chrX-41205799-T-TA.
Other names: c.1540dup, p.Ile514fs (NM_001193416.3); c.1492dup, p.Ile498fs (NM_001193417.3); c.982dup, p.Ile328fs (NM_001363819.1); short protein forms I328fs, I498fs, I514fs.
Identifiers: ClinVar variation 2823212 (VCV002823212.3), dbSNP rs2519524120, ClinGen allele CA2739273413.

ClinVar aggregate classification (germline): Pathogenic (1 of 4 stars; one submission).

Submission:

Labcorp Genetics (formerly Invitae), Labcorp
Classification: Pathogenic. Last evaluated: 2023-11-27. Review status: criteria provided, single submitter. Criteria: Invitae Variant Classification Sherloc (09022015). Collection method: clinical testing. Allele origin: germline.
Comment: This sequence change creates a premature translational stop signal (p.Ile514Asnfs*4) in the DDX3X gene. It is expected to result in an absent or disrupted protein product. Loss-of-function variants in DDX3X are known to be pathogenic (PMID: 26235985). This variant is not present in population databases (gnomAD no frequency). This variant has not been reported in the literature in individuals affected with DDX3X-related conditions. For these reasons, this variant has been classified as Pathogenic.

Literature cited by the submitters: PubMed 26235985.